The following is an entry in ClinVar:

NM_001379270.1(CNGA1):c.349G>T (p.Glu117Ter)

Genes: CNGA1 (cyclic nucleotide gated channel subunit alpha 1; minus strand), LOC101927157 (uncharacterized LOC101927157; plus strand). Cytogenetic location: 4p12.
Variant type: single nucleotide variant.
Coding change: c.349G>T on transcript NM_001379270.1 (MANE Select); coding-DNA position 349, G replaced by T.
Protein change: p.Glu117Ter; replaces glutamic acid 117 with a stop codon.
Molecular consequence: nonsense.
Genome position (GRCh38, 1-based): chr4:47,943,269, C>A on the plus strand (G>T on the coding strand, the complement: CNGA1 is on the minus strand). VCF-style: chr4-47943269-C-A. GRCh37 (hg19) VCF-style: chr4-47945286-C-A.
Other names: c.349G>T, p.Glu117Ter (NM_000087.5, NM_001142564.2); short protein forms E117*.
Identifiers: ClinVar variation 1690446 (VCV001690446.3), dbSNP rs539600817, ClinGen allele CA356832333.

ClinVar aggregate classification (germline): Likely pathogenic. Review status: criteria provided, multiple submitters, no conflicts (2 of 4 stars). 2 submissions from 2 submitters: Likely pathogenic (2). Last evaluated 2023-03-01.

Conditions:
Retinitis pigmentosa 49 (RP49). Identifiers: Orphanet 791, MedGen C3151059, MONDO:0013405, OMIM 613756.

Submissions (2):

Neuberg Centre For Genomic Medicine, NCGM
Classification: Likely pathogenic for Retinitis pigmentosa 49. Last evaluated: 2023-03-01. Review status: criteria provided, single submitter. Criteria: ACMG Guidelines, 2015. Collection method: clinical testing. Allele origin: germline. Inheritance: Autosomal recessive inheritance. Affected: yes.
Comment: The stop gained variant c.349G>T(p.Glu117Ter) in CNGA1 gene has not been reported previously as a pathogenic variant nor as a benign variant, to our knowledge. The variant is novel (not in any individuals) in gnomAD Exomes and is novel (not in any individuals) in 1000 Genomes. This variant has been reported to the ClinVar database as Likely Pathogenic. This variant is predicted to cause loss of normal protein function through protein truncation. Loss of function variants have been previously reported to be disease causing (Dryja TP, et al., 1995). For these reasons, this variant has been classified as Likely Pathogenic.

Laboratorio de Genetica e Diagnostico Molecular, Hospital Israelita Albert Einstein
Classification: Likely pathogenic. Last evaluated: 2021-09-17. Review status: criteria provided, single submitter. Criteria: ACMG Guidelines, 2015. Collection method: clinical testing. Allele origin: germline. Affected: yes.
Comment: ACMG classification criteria: PVS1, PM2